The following is an entry in ClinVar:

ClinVar aggregate classification (germline): Pathogenic. Review status: reviewed by expert panel (3 of 4 stars). 8 submissions from 8 submitters: Pathogenic (1). 7 of the submissions do not count toward it. Last evaluated 2016-09-08.

Conditions:
Hereditary cancer-predisposing syndrome. Also called: Neoplastic Syndromes, Hereditary; Hereditary neoplastic syndrome; Tumor predisposition; Hereditary Cancer Syndrome. Identifiers: Orphanet 140162, MedGen C0027672, MeSH D009386, MONDO:0015356.
Hereditary breast ovarian cancer syndrome. Also called: Hereditary breast and/or ovarian cancer syndrome; Hereditary breast and ovarian cancer; Hereditary breast and ovarian cancer syndrome (HBOC); Breast and ovarian cancer; BRCA1- and BRCA2-Associated Hereditary Breast and Ovarian Cancer; Hereditary breast and ovarian cancer syndrome. Identifiers: Orphanet 145, MedGen C0677776, MeSH D061325, MONDO:0003582. Disease mechanism: loss of function.
Breast-ovarian cancer, familial, susceptibility to, 2 (BROVCA2). Also called: BRCA2 Hereditary Breast and Ovarian Cancer. Identifiers: Orphanet 145, MedGen C2675520, MONDO:0012933, OMIM 612555. Disease mechanism: loss of function.
Familial cancer of breast. Also called: Hereditary breast cancer; hereditary breast carcinoma; BREAST CANCER, FAMILIAL. Identifiers: Orphanet 227535, MedGen C0346153, MONDO:0016419, OMIM 114480. Disease mechanism: loss of function.

Allele frequency attached by ClinVar (database versions not stated): gnomAD exomes below 0.00001 and 0.00001; ExAC 0.00001.
gnomAD v4.1: 2 of 1,536,244 alleles (0.00013%); highest among the groups gnomAD compares: South Asian, 0.0012%; no homozygotes.

Submissions (8):

Evidence-based Network for the Interpretation of Germline Mutant Alleles (ENIGMA)
Classification: Pathogenic for Breast-ovarian cancer, familial, susceptibility to, 2. Last evaluated: 2016-09-08. Review status: reviewed by expert panel. Criteria: ENIGMA BRCA1/2 Classification Criteria (2015). Collection method: curation. Allele origin: germline.
Comment: Variant allele predicted to encode a truncated non-functional protein.

Ambry Genetics
Classification: Pathogenic for Hereditary cancer-predisposing syndrome. Last evaluated: 2026-03-19. Review status: criteria provided, single submitter. Criteria: Ambry Variant Classification Scheme 2023. Collection method: clinical testing. Allele origin: germline. Not counted in ClinVar's aggregate classification.
Comment: The p.Q1291* pathogenic mutation (also known as c.3871C>T), located in coding exon 10 of the BRCA2 gene, results from a C to T substitution at nucleotide position 3871. This changes the amino acid from a glutamine to a stop codon within coding exon 10. This alteration is expected to result in loss of function by premature protein truncation or nonsense-mediated mRNA decay. As such, this alteration is interpreted as a disease-causing mutation.

Labcorp Genetics (formerly Invitae), Labcorp
Classification: Pathogenic for Hereditary breast ovarian cancer syndrome. Last evaluated: 2026-01-11. Review status: criteria provided, single submitter. Criteria: Invitae Variant Classification Sherloc (09022015). Collection method: clinical testing. Allele origin: germline. Not counted in ClinVar's aggregate classification.
Comment: This sequence change creates a premature translational stop signal (p.Gln1291*) in the BRCA2 gene. It is expected to result in an absent or disrupted protein product. Loss-of-function variants in BRCA2 are known to be pathogenic (PMID: 20104584). This variant is present in population databases (rs80358631, gnomAD 0.005%). This premature translational stop signal has been observed in individual(s) with BRCA2-related conditions (PMID: 27989354). ClinVar contains an entry for this variant (Variation ID: 51550). For these reasons, this variant has been classified as Pathogenic.

Women's Health and Genetics/Laboratory Corporation of America, LabCorp
Classification: Pathogenic for Hereditary breast ovarian cancer syndrome. Last evaluated: 2025-04-25. Review status: criteria provided, single submitter. Criteria: LabCorp Variant Classification Summary - May 2015. Collection method: clinical testing. Allele origin: germline. Not counted in ClinVar's aggregate classification.
Comment: Variant summary: BRCA2 c.3871C>T (p.Gln1291X) results in a premature termination codon, predicted to cause a truncation of the encoded protein or absence of the protein due to nonsense mediated decay, which are commonly known mechanisms for disease. The variant allele was found at a frequency of 5.2e-06 in 194150 control chromosomes. c.3871C>T has been observed in one individual affected with lethal prostate cancer (Na_2017). To our knowledge, no experimental evidence demonstrating an impact on protein function has been reported. The following publication have been ascertained in the context of this evaluation (PMID: 27989354). ClinVar contains an entry for this variant (Variation ID: 51550). Based on the evidence outlined above, the variant was classified as pathogenic.

Baylor Genetics
Classification: Pathogenic for Familial cancer of breast. Last evaluated: 2023-09-20. Review status: criteria provided, single submitter. Criteria: ACMG Guidelines, 2015. Collection method: clinical testing. Allele origin: unknown. Not counted in ClinVar's aggregate classification.

Consortium of Investigators of Modifiers of BRCA1/2 (CIMBA), c/o University of Cambridge
Classification: Pathogenic for Breast-ovarian cancer, familial, susceptibility to, 2. Last evaluated: 2015-10-02. Review status: criteria provided, single submitter. Criteria: CIMBA Mutation Classification guidelines May 2016. Collection method: clinical testing. Allele origin: germline. Not counted in ClinVar's aggregate classification.

Counsyl
Classification: Likely pathogenic for Breast-ovarian cancer, familial 2. Last evaluated: 2014-07-30. Review status: no assertion criteria provided. Collection method: literature only. Allele origin: unknown. Inheritance: Autosomal dominant inheritance. Not counted in ClinVar's aggregate classification.

Breast Cancer Information Core (BIC) (BRCA2)
Classification: Pathogenic for Breast-ovarian cancer, familial 2. Last evaluated: 2002-05-29. Review status: no assertion criteria provided. Collection method: clinical testing. Allele origin: germline. Affected: yes. Observed: 1 variant allele. Not counted in ClinVar's aggregate classification.

Literature cited by the submitters: PubMed 20104584 (cited by Labcorp Genetics (formerly Invitae), Labcorp); PubMed 27989354 (cited by Labcorp Genetics (formerly Invitae), Labcorp and Women's Health and Genetics/Laboratory Corporation of America, LabCorp); PubMed 18393245 (cited by Counsyl).

NM_000059.4(BRCA2):c.3871C>T (p.Gln1291Ter)

Gene: BRCA2 (BRCA2 DNA repair associated; plus strand). Cytogenetic location: 13q13.1.
Variant type: single nucleotide variant.
Coding change: c.3871C>T on transcript NM_000059.4 (MANE Select); coding-DNA position 3871, C replaced by T.
Protein change: p.Gln1291Ter; replaces glutamine 1291 with a stop codon.
Molecular consequence: nonsense.
Genome position (GRCh38, 1-based): chr13:32,338,226, C>T. VCF-style: chr13-32338226-C-T. GRCh37 (hg19) VCF-style: chr13-32912363-C-T.
Other names: short protein forms Q1291*.
Identifiers: ClinVar variation 51550 (VCV000051550.14), dbSNP rs80358631, ClinGen allele CA019043.